The following is an entry in ClinVar:

NM_019098.5(CNGB3):c.2285C>T (p.Ala762Val)

Gene: CNGB3 (cyclic nucleotide gated channel subunit beta 3; minus strand). Cytogenetic location: 8q21.3.
Variant type: single nucleotide variant.
Coding change: c.2285C>T on transcript NM_019098.5 (MANE Select); coding-DNA position 2285, C replaced by T.
Protein change: p.Ala762Val; replaces alanine 762 with valine.
Molecular consequence: missense variant.
Genome position (GRCh38, 1-based): chr8:86,575,949, G>A on the plus strand (C>T on the coding strand, the complement: CNGB3 is on the minus strand). VCF-style: chr8-86575949-G-A. GRCh37 (hg19) VCF-style: chr8-87588177-G-A.
Other names: short protein forms A762V.
Identifiers: ClinVar variation 939180 (VCV000939180.8), dbSNP rs764496534, ClinGen allele CA4799757.

ClinVar aggregate classification (germline): Uncertain significance (1 of 4 stars; one submission).

Allele frequency attached by ClinVar (database versions not stated): gnomAD 0.00001; gnomAD exomes 0.00001; ExAC 0.00002.
gnomAD v4.1: 4 of 1,613,992 alleles (0.00025%); highest among the groups gnomAD compares: Admixed American, 0.0067%; no homozygotes.

Submission:

Labcorp Genetics (formerly Invitae), Labcorp
Classification: Uncertain significance. Last evaluated: 2023-07-10. Review status: criteria provided, single submitter. Criteria: Invitae Variant Classification Sherloc (09022015). Collection method: clinical testing. Allele origin: germline.
Comment: This variant is present in population databases (rs764496534, gnomAD 0.009%). This sequence change replaces alanine, which is neutral and non-polar, with valine, which is neutral and non-polar, at codon 762 of the CNGB3 protein (p.Ala762Val). This variant has not been reported in the literature in individuals affected with CNGB3-related conditions. ClinVar contains an entry for this variant (Variation ID: 939180). Advanced modeling of protein sequence and biophysical properties (such as structural, functional, and spatial information, amino acid conservation, physicochemical variation, residue mobility, and thermodynamic stability) performed at Invitae indicates that this missense variant is not expected to disrupt CNGB3 protein function. In summary, the available evidence is currently insufficient to determine the role of this variant in disease. Therefore, it has been classified as a Variant of Uncertain Significance.